The following is an entry in ClinVar:

NM_019616.4(F7):c.64+5G>A

Gene: F7 (coagulation factor VII; plus strand). Cytogenetic location: 13q34.
Variant type: single nucleotide variant.
Coding change: c.64+5G>A on transcript NM_019616.4 (MANE Select); 5 bases into the intron after coding-DNA position 64, G replaced by A.
Molecular consequence: intron variant.
Genome position (GRCh38, 1-based): chr13:113,105,910, G>A. VCF-style: chr13-113105910-G-A. GRCh37 (hg19) VCF-style: chr13-113760224-G-A.
Other names: c.64+5G>A (NM_000131.5, NM_001267554.2).
Identifiers: ClinVar variation 444322 (VCV000444322.44), dbSNP rs769455161, ClinGen allele CA7059813.

ClinVar aggregate classification (germline): Pathogenic/Likely pathogenic. Review status: criteria provided, multiple submitters, no conflicts (2 of 4 stars). 2 submissions from 2 submitters: Pathogenic (1); Likely pathogenic (1). Last evaluated 2026-02-09.

Allele frequency attached by ClinVar (database versions not stated): ExAC below 0.00001; gnomAD exomes 0.00002; TOPMed 0.00003; gnomAD 0.00006 and 0.00007.
gnomAD v4.1: 35 of 1,581,512 alleles (0.0022%); highest among the groups gnomAD compares: African/African-American, 0.015%; no homozygotes.

Submissions (2):

Dasa
Classification: Pathogenic. Last evaluated: 2026-02-09. Review status: criteria provided, single submitter. Criteria: DASA Assertion Criteria. Collection method: clinical testing. Allele origin: germline.
Comment: NM_019616.4(F7):c.64+5G>A is a splice-region variant predicted to affect normal RNA splicing. This variant has been observed in affected individuals with related phenotype in a genotype context consistent with recessive disease (PMID: 30208845; PMID: 40117674; PMID: 15968391; PMID: 38565502). Functional evidence supports a deleterious effect on the gene or gene product (PMID: 30208845; PMID: 40117674; PMID: 15968391; PMID: 38565502). This variant has been recurrently observed in individuals with related phenotype (PMID: 30208845; PMID: 40117674; PMID: 15968391; PMID: 38565502). Multiple computational predictions support a deleterious effect on the gene or gene product. The variant is present at low frequency in population datasets. Based on the available data, this variant is classified as pathogenic.

CeGaT Center for Human Genetics Tuebingen
Classification: Likely pathogenic. Last evaluated: 2017-05-01. Review status: criteria provided, single submitter. Criteria: CeGaT Center For Human Genetics Tuebingen Variant Classification Criteria Version 2. Collection method: clinical testing. Allele origin: germline. Affected: yes. Observed: 1 variant allele.

Literature cited by the submitters: PubMed 30208845 (cited by Dasa); PubMed 40117674 (cited by Dasa); PubMed 15968391 (cited by Dasa); PubMed 38565502 (cited by Dasa).